The following is an entry in ClinVar:

ClinVar aggregate classification (germline): Uncertain significance (1 of 4 stars; one submission).

Conditions:
Amyotrophic lateral sclerosis type 21. Also called: MYOPATHY, DISTAL, 2; VOCAL CORD AND PHARYNGEAL DYSFUNCTION WITH DISTAL MYOPATHY. Identifiers: Orphanet 600, Orphanet 803, MedGen C3807521, MONDO:0011632, OMIM 606070.

gnomAD v4.1: 1 of 1,614,172 alleles (0.000062%); highest among the groups gnomAD compares: Admixed American, 0.0017%; no homozygotes.

Submission:

Labcorp Genetics (formerly Invitae), Labcorp
Classification: Uncertain significance for Amyotrophic lateral sclerosis type 21. Last evaluated: 2023-12-06. Review status: criteria provided, single submitter. Criteria: Invitae Variant Classification Sherloc (09022015). Collection method: clinical testing. Allele origin: germline.
Comment: This sequence change replaces threonine, which is neutral and polar, with asparagine, which is neutral and polar, at codon 78 of the MATR3 protein (p.Thr78Asn). This variant is present in population databases (no rsID available, gnomAD 0.003%). This variant has not been reported in the literature in individuals affected with MATR3-related conditions. ClinVar contains an entry for this variant (Variation ID: 2084814). Advanced modeling of protein sequence and biophysical properties (such as structural, functional, and spatial information, amino acid conservation, physicochemical variation, residue mobility, and thermodynamic stability) performed at Invitae indicates that this missense variant is not expected to disrupt MATR3 protein function with a negative predictive value of 80%. In summary, the available evidence is currently insufficient to determine the role of this variant in disease. Therefore, it has been classified as a Variant of Uncertain Significance.

NM_018834.6(MATR3):c.233C>A (p.Thr78Asn)

Gene: MATR3 (matrin 3; plus strand). Cytogenetic location: 5q31.2.
Variant type: single nucleotide variant.
Coding change: c.233C>A on transcript NM_018834.6 (MANE Select); coding-DNA position 233, C replaced by A.
Protein change: p.Thr78Asn; replaces threonine 78 with asparagine.
Molecular consequence: missense variant. On other transcripts: intron variant (11).
Genome position (GRCh38, 1-based): chr5:139,307,648, C>A. VCF-style: chr5-139307648-C-A. GRCh37 (hg19) VCF-style: chr5-138643337-C-A.
Other names: c.233C>A, p.Thr78Asn (NM_001194954.2, NM_001194955.2, NM_001400441.1 and 16 more transcripts); c.52-7027C>A (NM_001400459.1); c.-102-7027C>A (NM_001400463.1, NM_001400460.1, NM_001282278.2 and 3 more transcripts); c.-40-8049C>A (NM_001400462.1, NM_001400467.1); c.13-7027C>A (NM_001400461.1); c.49-7027C>A (NM_001194956.2); short protein forms T78N.
Identifiers: ClinVar variation 2084814 (VCV002084814.4), dbSNP rs1475340889, ClinGen allele CA361486806.